The following is an entry in ClinVar:

NM_138694.4(PKHD1):c.4183_4184dup (p.Pro1396fs)

Gene: PKHD1 (PKHD1 ciliary IPT domain containing fibrocystin/polyductin; minus strand). Cytogenetic location: 6p12.2.
Variant type: Duplication.
Coding change: c.4183_4184dup on transcript NM_138694.4 (MANE Select); coding-DNA positions 4183 to 4184, 2 bases duplicated (TT; older notation c.4183_4184dupTT).
Protein change: p.Pro1396fs; shifts the reading frame from proline 1396.
Molecular consequence: frameshift variant.
Genome position (GRCh38, 1-based): chr6:52,025,626-52,025,627, AA duplicated on the plus strand (TT on the coding strand, the reverse complement: PKHD1 is on the minus strand). VCF-style (leftmost placement, unchanged base first): chr6-52025625-G-GAA. GRCh37 (hg19) VCF-style: chr6-51890423-G-GAA.
Other names: c.4183_4184dup, p.Pro1396fs (NM_170724.3); short protein forms P1396fs.
Identifiers: ClinVar variation 2089463 (VCV002089463.4), dbSNP rs2532721743, ClinGen allele CA2580075540.

ClinVar aggregate classification (germline): Pathogenic (1 of 4 stars; one submission).

Conditions:
Autosomal recessive polycystic kidney disease (ARPKD). Also called: AR polycystic kidney disease. Identifiers: Orphanet 731, Orphanet 8378, MedGen C0085548, MeSH D017044, MONDO:0009889.

Submission:

Labcorp Genetics (formerly Invitae), Labcorp
Classification: Pathogenic for Autosomal recessive polycystic kidney disease. Last evaluated: 2022-02-07. Review status: criteria provided, single submitter. Criteria: Invitae Variant Classification Sherloc (09022015). Collection method: clinical testing. Allele origin: germline.
Comment: For these reasons, this variant has been classified as Pathogenic. This variant has not been reported in the literature in individuals affected with PKHD1-related conditions. This variant is not present in population databases (gnomAD no frequency). This sequence change creates a premature translational stop signal (p.Pro1396Serfs*15) in the PKHD1 gene. It is expected to result in an absent or disrupted protein product. Loss-of-function variants in PKHD1 are known to be pathogenic (PMID: 19940839).

Literature cited by the submitters: PubMed 19940839.